The following is an entry in ClinVar:

NM_001271.4(CHD2):c.3751C>T (p.Arg1251Cys)

Gene: CHD2 (chromodomain helicase DNA binding protein 2; plus strand). Cytogenetic location: 15q26.1.
Variant type: single nucleotide variant.
Coding change: c.3751C>T on transcript NM_001271.4 (MANE Select); coding-DNA position 3751, C replaced by T.
Protein change: p.Arg1251Cys; replaces arginine 1251 with cysteine.
Molecular consequence: missense variant.
Genome position (GRCh38, 1-based): chr15:92,997,269, C>T. VCF-style: chr15-92997269-C-T. GRCh37 (hg19) VCF-style: chr15-93540499-C-T.
Other names: short protein forms R1251C.
Identifiers: ClinVar variation 1057204 (VCV001057204.11), dbSNP rs2054200484, ClinGen allele CA393898270.

ClinVar aggregate classification (germline): Uncertain significance. Review status: criteria provided, multiple submitters, no conflicts (2 of 4 stars). 2 submissions from 2 submitters: Uncertain significance (2). Last evaluated 2022-08-09.

Conditions:
Developmental and epileptic encephalopathy 94 (DEE94). Also called: Epileptic encephalopathy, childhood-onset; CHD2-Related Neurodevelopmental Disorders. Identifiers: Orphanet 1942, Orphanet 2382, MedGen C3809278, MONDO:0014150, OMIM 615369.

Allele frequency attached by ClinVar (database versions not stated): gnomAD exomes below 0.00001; TOPMed below 0.00001.
gnomAD v4.1: 6 of 1,613,986 alleles (0.00037%); highest among the groups gnomAD compares: Non-Finnish European, 0.00051%; no homozygotes.

Submissions (2):

Labcorp Genetics (formerly Invitae), Labcorp
Classification: Uncertain significance for Developmental and epileptic encephalopathy 94. Last evaluated: 2022-08-09. Review status: criteria provided, single submitter. Criteria: Invitae Variant Classification Sherloc (09022015). Collection method: clinical testing. Allele origin: germline.
Comment: In summary, the available evidence is currently insufficient to determine the role of this variant in disease. Therefore, it has been classified as a Variant of Uncertain Significance. Advanced modeling of protein sequence and biophysical properties (such as structural, functional, and spatial information, amino acid conservation, physicochemical variation, residue mobility, and thermodynamic stability) performed at Invitae indicates that this missense variant is not expected to disrupt CHD2 protein function. ClinVar contains an entry for this variant (Variation ID: 1057204). This variant has not been reported in the literature in individuals affected with CHD2-related conditions. This variant is not present in population databases (gnomAD no frequency). This sequence change replaces arginine, which is basic and polar, with cysteine, which is neutral and slightly polar, at codon 1251 of the CHD2 protein (p.Arg1251Cys).

Revvity Omics, Revvity
Classification: Uncertain significance for Developmental and epileptic encephalopathy 94. Last evaluated: 2021-08-13. Review status: criteria provided, single submitter. Criteria: ACMG Guidelines, 2015. Collection method: clinical testing. Allele origin: germline.